The following is an entry in ClinVar:

ClinVar aggregate classification (germline): Uncertain significance (1 of 4 stars; one submission).

Conditions:
Inborn genetic diseases. Identifiers: MedGen C0950123, MeSH D030342.

Submission:

Ambry Genetics
Classification: Uncertain significance for Inborn genetic diseases. Last evaluated: 2022-09-20. Review status: criteria provided, single submitter. Criteria: Ambry Variant Classification Scheme 2023. Collection method: clinical testing. Allele origin: germline.
Comment: The p.P1256S variant (also known as c.3766C>T), located in coding exon 20 of the ATR gene, results from a C to T substitution at nucleotide position 3766. The proline at codon 1256 is replaced by serine, an amino acid with similar properties. This amino acid position is conserved. In addition, the in silico prediction for this alteration is inconclusive. Since supporting evidence is limited at this time, the clinical significance of this alteration remains unclear.

NM_001184.4(ATR):c.3766C>T (p.Pro1256Ser)

Gene: ATR (ATR checkpoint kinase; minus strand). Cytogenetic location: 3q23.
Variant type: single nucleotide variant.
Coding change: c.3766C>T on transcript NM_001184.4 (MANE Select); coding-DNA position 3766, C replaced by T.
Protein change: p.Pro1256Ser; replaces proline 1256 with serine.
Molecular consequence: missense variant.
Genome position (GRCh38, 1-based): chr3:142,536,161, G>A on the plus strand (C>T on the coding strand, the complement: ATR is on the minus strand). VCF-style: chr3-142536161-G-A. GRCh37 (hg19) VCF-style: chr3-142255003-G-A.
Other names: c.3574C>T, p.Pro1192Ser (NM_001354579.2); short protein forms P1256S, P1192S.
Identifiers: ClinVar variation 1734720 (VCV001734720.2), dbSNP rs2473309423, ClinGen allele CA354806825.